The following is an entry in ClinVar:

NM_000334.4(SCN4A):c.*1215G>A

Genes: GH-LCR (growth hormone locus control region; plus strand), SCN4A (sodium voltage-gated channel alpha subunit 4; minus strand). Cytogenetic location: 17q23.3.
Variant type: single nucleotide variant.
Coding change: c.*1215G>A on transcript NM_000334.4 (MANE Select); 1215 bases downstream of the stop codon, G replaced by A.
Molecular consequence: 3 prime UTR variant.
Genome position (GRCh38, 1-based): chr17:63,939,556, C>T on the plus strand (G>A on the coding strand, the complement: SCN4A is on the minus strand). VCF-style: chr17-63939556-C-T. GRCh37 (hg19) VCF-style: chr17-62016916-C-T.
Identifiers: ClinVar variation 324485 (VCV000324485.6), dbSNP rs112758825, ClinGen allele CA10650640.

ClinVar aggregate classification (germline): Benign/Likely benign. Review status: criteria provided, multiple submitters, no conflicts (2 of 4 stars). 6 submissions from 2 submitters: Benign (5); Likely benign (1). Last evaluated 2021-05-16.

Conditions:
Congenital myasthenic syndrome 16. Identifiers: Orphanet 590, MedGen C3280112, MONDO:0013620, OMIM 614198.
Hypokalemic periodic paralysis, type 2 (HOKPP2). Identifiers: Orphanet 681, MedGen C2750061, MONDO:0013234, OMIM 613345.
Paramyotonia congenita of Von Eulenburg. Also called: Paramyotonia Congenita; PARALYSIS PERIODICA PARAMYOTONICA; Eulenburg disease; Myotonia congenita intermittens; Von Eulenburg paramyotonia congenita. Identifiers: Orphanet 684, MedGen C0221055, MONDO:0008195, OMIM 168300. Disease mechanism: loss of function.
Potassium-aggravated myotonia. Also called: Myotonia congenita, atypical, acetazolamide-responsive; MYOTONIA CONGENITA, ACETAZOLAMIDE-RESPONSIVE; MYOTONIA CONGENITA, ATYPICAL; SODIUM CHANNEL MUSCLE DISEASE. Identifiers: Orphanet 612, Orphanet 99734, Orphanet 99735, Orphanet 99736, MedGen C2931826, MONDO:0018959, OMIM 608390.
Hyperkalemic periodic paralysis. Also called: Familial hyperkalemic periodic paralysis; Gamstorp disease. Identifiers: Orphanet 682, MedGen C0238357, MONDO:0008224, OMIM 170500, HP:0007215.

Allele frequency attached by ClinVar (database versions not stated): gnomAD 0.00696 and 0.00646; 1000 Genomes Project 30x 0.00734; TOPMed 0.00694; 1000 Genomes Project 0.00719.

Submissions (6):

GeneDx
Classification: Likely benign. Last evaluated: 2021-05-16. Review status: criteria provided, single submitter. Criteria: GeneDx Variant Classification Process June 2021. Collection method: clinical testing. Allele origin: germline. Affected: yes.

Illumina Laboratory Services, Illumina
Classification: Benign for Potassium-aggravated myotonia. Last evaluated: 2018-01-12. Review status: criteria provided, single submitter. Criteria: ICSL Variant Classification Criteria 13 December 2019. Collection method: clinical testing. Allele origin: germline.
Comment: This variant was observed in the ICSL laboratory as part of a predisposition screen in an ostensibly healthy population. It had not been previously curated by ICSL or reported in the Human Gene Mutation Database (HGMD: prior to June 1st, 2018), and was therefore a candidate for classification through an automated scoring system. Utilizing variant allele frequency, disease prevalence and penetrance estimates, and inheritance mode, an automated score was calculated to assess if this variant is too frequent to cause the disease. Based on the score and internal cut-off values, a variant classified as benign is not then subjected to further curation. The score for this variant resulted in a classification of benign for this disease.

Illumina Laboratory Services, Illumina
Classification: Benign for Congenital myasthenic syndrome 16. Last evaluated: 2018-01-12. Review status: criteria provided, single submitter. Criteria: ICSL Variant Classification Criteria 13 December 2019. Collection method: clinical testing. Allele origin: germline.
Comment: the same text as in the submission from Illumina Laboratory Services, Illumina above.

Illumina Laboratory Services, Illumina
Classification: Benign for Hyperkalemic periodic paralysis. Last evaluated: 2018-01-12. Review status: criteria provided, single submitter. Criteria: ICSL Variant Classification Criteria 13 December 2019. Collection method: clinical testing. Allele origin: germline.
Comment: the same text as in the submission from Illumina Laboratory Services, Illumina above.

Illumina Laboratory Services, Illumina
Classification: Benign for Paramyotonia congenita of Von Eulenburg. Last evaluated: 2018-01-12. Review status: criteria provided, single submitter. Criteria: ICSL Variant Classification Criteria 13 December 2019. Collection method: clinical testing. Allele origin: germline.
Comment: the same text as in the submission from Illumina Laboratory Services, Illumina above.

Illumina Laboratory Services, Illumina
Classification: Benign for Hypokalemic periodic paralysis, type 2. Last evaluated: 2018-01-12. Review status: criteria provided, single submitter. Criteria: ICSL Variant Classification Criteria 13 December 2019. Collection method: clinical testing. Allele origin: germline.
Comment: the same text as in the submission from Illumina Laboratory Services, Illumina above.